The following is an entry in ClinVar:

NM_003477.3(PDHX):c.886A>G (p.Ser296Gly)

Gene: PDHX (pyruvate dehydrogenase complex component X; plus strand). Cytogenetic location: 11p13.
Variant type: single nucleotide variant.
Coding change: c.886A>G on transcript NM_003477.3 (MANE Select); coding-DNA position 886, A replaced by G.
Protein change: p.Ser296Gly; replaces serine 296 with glycine.
Molecular consequence: missense variant. On other transcripts: intron variant (1).
Genome position (GRCh38, 1-based): chr11:34,970,208, A>G. VCF-style: chr11-34970208-A-G. GRCh37 (hg19) VCF-style: chr11-34991755-A-G.
Other names: c.706A>G, p.Ser236Gly (NM_001135024.2); c.343-14362A>G (NM_001166158.2); short protein forms S296G, S236G.
Identifiers: ClinVar variation 1462202 (VCV001462202.8), dbSNP rs2133984098, ClinGen allele CA380121733.

ClinVar aggregate classification (germline): Uncertain significance (1 of 4 stars; one submission).

Submission:

Labcorp Genetics (formerly Invitae), Labcorp
Classification: Uncertain significance. Last evaluated: 2022-07-19. Review status: criteria provided, single submitter. Criteria: Invitae Variant Classification Sherloc (09022015). Collection method: clinical testing. Allele origin: germline.
Comment: This variant has not been reported in the literature in individuals affected with PDHX-related conditions. In summary, the available evidence is currently insufficient to determine the role of this variant in disease. Therefore, it has been classified as a Variant of Uncertain Significance. Algorithms developed to predict the effect of sequence changes on RNA splicing suggest that this variant may create or strengthen a splice site. Algorithms developed to predict the effect of missense changes on protein structure and function (SIFT, PolyPhen-2, Align-GVGD) all suggest that this variant is likely to be tolerated. ClinVar contains an entry for this variant (Variation ID: 1462202). This variant is not present in population databases (gnomAD no frequency). This sequence change replaces serine, which is neutral and polar, with glycine, which is neutral and non-polar, at codon 296 of the PDHX protein (p.Ser296Gly).